The following is an entry in ClinVar:

NM_000712.4(BLVRA):c.167A>G (p.Gln56Arg)

Gene: BLVRA (biliverdin reductase A; plus strand). Cytogenetic location: 7p13.
Variant type: single nucleotide variant.
Coding change: c.167A>G on transcript NM_000712.4 (MANE Select); coding-DNA position 167, A replaced by G.
Protein change: p.Gln56Arg; replaces glutamine 56 with arginine.
Molecular consequence: missense variant.
Genome position (GRCh38, 1-based): chr7:43,791,281, A>G. VCF-style: chr7-43791281-A-G. GRCh37 (hg19) VCF-style: chr7-43830880-A-G.
Other names: c.167A>G, p.Gln56Arg (NM_001253823.2); short protein forms Q56R.
Identifiers: ClinVar variation 775081 (VCV000775081.33), dbSNP rs1050916, ClinGen allele CA4234022.
Genomic context (GRCh38, chr7:43,791,281, plus strand): 5'-GTTCCATTTCTCTGTTACTCTGAAATAGAAGGGAGCTCGGGAGCATTGATGGAGTCCAGC[A>G]GATTTCTTTGGAGGATGCTCTTTCCAGCCAAGAGGTGGAGGTCGCCTATATCTGCAGTGA-3'
Protein context (NP_000703.2, residues 46-66): RELGSIDGVQ[Gln56Arg]ISLEDALSSQ

ClinVar aggregate classification (germline): Benign. Review status: criteria provided, multiple submitters, no conflicts (2 of 4 stars). 4 submissions from 4 submitters: Benign (4). Last evaluated 2026-01-07.

Conditions:
BLVRA-related disorder. Also called: BLVRA-related condition.

Allele frequency attached by ClinVar (database versions not stated): 1000 Genomes Project 0.00220; 1000 Genomes Project 30x 0.00234; TOPMed 0.00584; ExAC 0.00766; gnomAD 0.00771 and 0.00799; ESP Exome Variant Server 0.00792; gnomAD exomes 0.00801 and 0.01084.
gnomAD v4.1: 16,927 of 1,614,204 alleles (1%); highest among the groups gnomAD compares: Non-Finnish European, 1.2%; 121 homozygotes.

Submissions (4):

Labcorp Genetics (formerly Invitae), Labcorp
Classification: Benign. Last evaluated: 2026-01-07. Review status: criteria provided, single submitter. Criteria: Invitae Variant Classification Sherloc (09022015). Collection method: clinical testing. Allele origin: germline.

CeGaT Center for Human Genetics Tuebingen
Classification: Benign. Last evaluated: 2026-01-01. Review status: criteria provided, single submitter. Criteria: CeGaT Center For Human Genetics Tuebingen Variant Classification Criteria Version 2. Collection method: clinical testing. Allele origin: germline. Affected: yes. Observed: 4 variant alleles.
Comment: BLVRA: BS1, BS2

Center for Genomic Medicine, Rigshospitalet, Copenhagen University Hospital
Classification: Benign. Last evaluated: 2025-12-29. Review status: criteria provided, single submitter. Criteria: ACMG Guidelines, 2015. Collection method: clinical testing. Allele origin: germline.

PreventionGenetics, part of Exact Sciences
Classification: Benign for BLVRA-related condition. Last evaluated: 2025-12-26. Review status: criteria provided, single submitter. Criteria: ACMG Guidelines, 2015. Collection method: clinical testing. Allele origin: germline.
Comment: This variant is classified as benign based on ACMG/AMP sequence variant interpretation guidelines (Richards et al. 2015 PMID: 25741868, with internal and published modifications).